The following is an entry in ClinVar:

NM_032977.4(CASP10):c.604G>A (p.Asp202Asn)

Gene: CASP10 (caspase 10; plus strand). Cytogenetic location: 2q33.1.
Variant type: single nucleotide variant.
Coding change: c.604G>A on transcript NM_032977.4 (MANE Select); coding-DNA position 604, G replaced by A.
Protein change: p.Asp202Asn; replaces aspartic acid 202 with asparagine.
Molecular consequence: missense variant.
Genome position (GRCh38, 1-based): chr2:201,195,868, G>A. VCF-style: chr2-201195868-G-A. GRCh37 (hg19) VCF-style: chr2-202060591-G-A.
Other names: c.604G>A, p.Asp202Asn (NM_001206524.2, NM_001206542.2, NM_001230.5 and 3 more transcripts); short protein forms D202N.
Identifiers: ClinVar variation 3758430 (VCV003758430.2).

ClinVar aggregate classification (germline): Uncertain significance (1 of 4 stars; one submission).

Conditions:
Autoimmune lymphoproliferative syndrome type 2A (ALPS2A). Also called: CASP10-Related Autoimmune Lymphoproliferative Syndrome; AUTOIMMUNE LYMPHOPROLIFERATIVE SYNDROME, TYPE IIA; Autoimmune lymphoproliferative syndrome type 2. Identifiers: Orphanet 3261, MedGen C1858968, MONDO:0011383, OMIM 603909.

Submission:

Labcorp Genetics (formerly Invitae), Labcorp
Classification: Uncertain significance for Autoimmune lymphoproliferative syndrome type 2A. Last evaluated: 2024-12-31. Review status: criteria provided, single submitter. Criteria: Invitae Variant Classification Sherloc (09022015). Collection method: clinical testing. Allele origin: germline.
Comment: This sequence change replaces aspartic acid, which is acidic and polar, with asparagine, which is neutral and polar, at codon 202 of the CASP10 protein (p.Asp202Asn). This variant is not present in population databases (gnomAD no frequency). This variant has not been reported in the literature in individuals affected with CASP10-related conditions. Invitae Evidence Modeling of protein sequence and biophysical properties (such as structural, functional, and spatial information, amino acid conservation, physicochemical variation, residue mobility, and thermodynamic stability) indicates that this missense variant is not expected to disrupt CASP10 protein function with a negative predictive value of 80%. In summary, the available evidence is currently insufficient to determine the role of this variant in disease. Therefore, it has been classified as a Variant of Uncertain Significance.